The following is an entry in ClinVar:

NM_198578.4(LRRK2):c.4328C>T (p.Ser1443Phe)

Gene: LRRK2 (leucine rich repeat kinase 2; plus strand). Cytogenetic location: 12q12.
Variant type: single nucleotide variant.
Coding change: c.4328C>T on transcript NM_198578.4 (MANE Select); coding-DNA position 4328, C replaced by T.
Protein change: p.Ser1443Phe; replaces serine 1443 with phenylalanine.
Molecular consequence: missense variant.
Genome position (GRCh38, 1-based): chr12:40,310,441, C>T. VCF-style: chr12-40310441-C-T. GRCh37 (hg19) VCF-style: chr12-40704243-C-T.
Other names: short protein forms S1443F.
Identifiers: ClinVar variation 1739742 (VCV001739742.7), dbSNP rs764213934, ClinGen allele CA6514162.

ClinVar aggregate classification (germline): Uncertain significance. Review status: criteria provided, multiple submitters, no conflicts (2 of 4 stars). 2 submissions from 2 submitters: Uncertain significance (2). Last evaluated 2022-02-22.

Conditions:
Inborn genetic diseases. Identifiers: MedGen C0950123, MeSH D030342.
Autosomal dominant Parkinson disease 8. Also called: Parkinson disease 8, susceptibility to; LRRK2-Related Parkinson Disease; Parkinson disease 8. Identifiers: Orphanet 411602, MedGen C1846862, MONDO:0011764, OMIM 607060.

Allele frequency attached by ClinVar (database versions not stated): gnomAD exomes 0.00001; ExAC 0.00003.
gnomAD v4.1: 7 of 1,613,282 alleles (0.00043%); highest among the groups gnomAD compares: Admixed American, 0.0084%; 1 homozygote.

Submissions (2):

Labcorp Genetics (formerly Invitae), Labcorp
Classification: Uncertain significance for Autosomal dominant Parkinson disease 8. Last evaluated: 2022-02-22. Review status: criteria provided, single submitter. Criteria: Invitae Variant Classification Sherloc (09022015). Collection method: clinical testing. Allele origin: germline.
Comment: This sequence change replaces serine, which is neutral and polar, with phenylalanine, which is neutral and non-polar, at codon 1443 of the LRRK2 protein (p.Ser1443Phe). This variant is present in population databases (rs764213934, gnomAD 0.01%). This variant has not been reported in the literature in individuals affected with LRRK2-related conditions. Algorithms developed to predict the effect of missense changes on protein structure and function are either unavailable or do not agree on the potential impact of this missense change (SIFT: "Deleterious"; PolyPhen-2: "Probably Damaging"; Align-GVGD: "Class C0"). In summary, the available evidence is currently insufficient to determine the role of this variant in disease. Therefore, it has been classified as a Variant of Uncertain Significance.

Ambry Genetics
Classification: Uncertain significance for Inborn genetic diseases. Last evaluated: 2021-08-22. Review status: criteria provided, single submitter. Criteria: Ambry Variant Classification Scheme 2023. Collection method: clinical testing. Allele origin: germline.
Comment: The p.S1443F variant (also known as c.4328C>T), located in coding exon 31 of the LRRK2 gene, results from a C to T substitution at nucleotide position 4328. The serine at codon 1443 is replaced by phenylalanine, an amino acid with highly dissimilar properties. This amino acid position is conserved. In addition, the in silico prediction for this alteration is inconclusive. Since supporting evidence is limited at this time, the clinical significance of this alteration remains unclear.